The following is an entry in ClinVar:

NM_025077.4(TOE1):c.668del (p.Pro223fs)

Gene: TOE1 (target of EGR1, exonuclease; plus strand). Cytogenetic location: 1p34.1.
Variant type: Deletion.
Coding change: c.668del on transcript NM_025077.4 (MANE Select); coding-DNA position 668, one base deleted (C; older notation c.668delC).
Protein change: p.Pro223fs; shifts the reading frame from proline 223.
Molecular consequence: frameshift variant.
Genome position (GRCh38, 1-based): chr1:45,342,559, C deleted; the last of 3 consecutive C bases (chr1:45,342,557-45,342,559); deleting any one gives the same sequence. VCF-style (leftmost placement, unchanged base first): chr1-45342556-TC-T. GRCh37 (hg19) VCF-style: chr1-45808228-TC-T.
Other names: short protein forms P223fs.
Identifiers: ClinVar variation 1986984 (VCV001986984.4), dbSNP rs767479473, ClinGen allele CA826624.

ClinVar aggregate classification (germline): Pathogenic (1 of 4 stars; one submission).

Submission:

Labcorp Genetics (formerly Invitae), Labcorp
Classification: Pathogenic. Last evaluated: 2025-02-02. Review status: criteria provided, single submitter. Criteria: Invitae Variant Classification Sherloc (09022015). Collection method: clinical testing. Allele origin: germline.
Comment: This sequence change creates a premature translational stop signal (p.Pro223Glnfs*22) in the TOE1 gene. It is expected to result in an absent or disrupted protein product. Loss-of-function variants in TOE1 are known to be pathogenic (PMID: 28092684, 34716526). This variant is present in population databases (rs767479473, gnomAD 0.02%). This variant has not been reported in the literature in individuals affected with TOE1-related conditions. ClinVar contains an entry for this variant (Variation ID: 1986984). For these reasons, this variant has been classified as Pathogenic.

Literature cited by the submitters: PubMed 28092684; PubMed 34716526.